The following is an entry in ClinVar:

NM_001134363.3(RBM20):c.1658C>G (p.Ser553Trp)

Gene: RBM20 (RNA binding motif protein 20; plus strand). Cytogenetic location: 10q25.2.
Variant type: single nucleotide variant.
Coding change: c.1658C>G on transcript NM_001134363.3 (MANE Select); coding-DNA position 1658, C replaced by G.
Protein change: p.Ser553Trp; replaces serine 553 with tryptophan.
Molecular consequence: missense variant.
Genome position (GRCh38, 1-based): chr10:110,797,638, C>G. VCF-style: chr10-110797638-C-G. GRCh37 (hg19) VCF-style: chr10-112557396-C-G.
Other names: short protein forms S553W.
Identifiers: ClinVar variation 3712110 (VCV003712110.2).

ClinVar aggregate classification (germline): Uncertain significance (1 of 4 stars; one submission).

Conditions:
Dilated cardiomyopathy 1DD (CMD1DD). Identifiers: Orphanet 154, MedGen C2750995, MONDO:0013168, OMIM 613172.

Submission:

Labcorp Genetics (formerly Invitae), Labcorp
Classification: Uncertain significance for Dilated cardiomyopathy 1DD. Last evaluated: 2024-09-17. Review status: criteria provided, single submitter. Criteria: Invitae Variant Classification Sherloc (09022015). Collection method: clinical testing. Allele origin: germline.
Comment: This sequence change replaces serine, which is neutral and polar, with tryptophan, which is neutral and slightly polar, at codon 553 of the RBM20 protein (p.Ser553Trp). This variant is not present in population databases (gnomAD no frequency). This variant has not been reported in the literature in individuals affected with RBM20-related conditions. Invitae Evidence Modeling of protein sequence and biophysical properties (such as structural, functional, and spatial information, amino acid conservation, physicochemical variation, residue mobility, and thermodynamic stability) has been performed for this missense variant. However, the output from this modeling did not meet the statistical confidence thresholds required to predict the impact of this variant on RBM20 protein function. In summary, the available evidence is currently insufficient to determine the role of this variant in disease. Therefore, it has been classified as a Variant of Uncertain Significance.